The following is an entry in ClinVar:

ClinVar aggregate classification (germline): Uncertain significance. Review status: criteria provided, multiple submitters, no conflicts (2 of 4 stars). 2 submissions from 2 submitters: Uncertain significance (2). Last evaluated 2024-11-22.

Conditions:
Hereditary cancer-predisposing syndrome. Also called: Neoplastic Syndromes, Hereditary; Tumor predisposition; Hereditary neoplastic syndrome; Hereditary Cancer Syndrome. Identifiers: Orphanet 140162, MedGen C0027672, MeSH D009386, MONDO:0015356.
Familial adenomatous polyposis 1 (FAP1). Also called: FAMILIAL ADENOMATOUS POLYPOSIS 1, ATTENUATED; POLYPOSIS, ADENOMATOUS INTESTINAL. Identifiers: MedGen C2713442, MONDO:0021056, OMIM 175100. Disease mechanism: loss of function.

Submissions (2):

Ambry Genetics
Classification: Uncertain significance for Hereditary cancer-predisposing syndrome. Last evaluated: 2024-11-22. Review status: criteria provided, single submitter. Criteria: Ambry Variant Classification Scheme 2023. Collection method: clinical testing. Allele origin: germline.
Comment: The p.K1826N variant (also known as c.5478G>T), located in coding exon 15 of the APC gene, results from a G to T substitution at nucleotide position 5478. The lysine at codon 1826 is replaced by asparagine, an amino acid with similar properties. This amino acid position is conserved. In addition, in silico predictors for this gene do not accurately predict pathogenicity. Based on the available evidence, the clinical significance of this variant remains unclear.

Labcorp Genetics (formerly Invitae), Labcorp
Classification: Uncertain significance for Familial adenomatous polyposis 1. Last evaluated: 2018-09-04. Review status: criteria provided, single submitter. Criteria: Invitae Variant Classification Sherloc (09022015). Collection method: clinical testing. Allele origin: germline.
Comment: This sequence change replaces lysine with asparagine at codon 1826 of the APC protein (p.Lys1826Asn). The lysine residue is highly conserved and there is a moderate physicochemical difference between lysine and asparagine. This variant is not present in population databases (ExAC no frequency). This variant has not been reported in the literature in individuals with APC-related disease. Algorithms developed to predict the effect of missense changes on protein structure and function are either unavailable or do not agree on the potential impact of this missense change (SIFT: "Deleterious"; PolyPhen-2: "Possibly Damaging"; Align-GVGD: "Class C0"). In summary, the available evidence is currently insufficient to determine the role of this variant in disease. Therefore, it has been classified as a Variant of Uncertain Significance.

NM_000038.6(APC):c.5478G>T (p.Lys1826Asn)

Gene: APC (APC regulator of Wnt signaling pathway; plus strand). Cytogenetic location: 5q22.2.
Variant type: single nucleotide variant.
Coding change: c.5478G>T on transcript NM_000038.6 (MANE Select); coding-DNA position 5478, G replaced by T.
Protein change: p.Lys1826Asn; replaces lysine 1826 with asparagine.
Molecular consequence: missense variant.
Genome position (GRCh38, 1-based): chr5:112,841,072, G>T. VCF-style: chr5-112841072-G-T. GRCh37 (hg19) VCF-style: chr5-112176769-G-T.
Other names: c.5478G>T, p.Lys1826Asn (NM_001127510.3, NM_001354895.2); c.5424G>T, p.Lys1808Asn (NM_001127511.3); c.5532G>T, p.Lys1844Asn (NM_001354896.2); c.5508G>T, p.Lys1836Asn (NM_001354897.2); c.5403G>T, p.Lys1801Asn (NM_001354898.2); c.5394G>T, p.Lys1798Asn (NM_001354899.2); c.5355G>T, p.Lys1785Asn (NM_001354900.2); c.5301G>T, p.Lys1767Asn (NM_001354901.2); and 5 more; short protein forms K1700N, K1735N, K1808N, K1543N, K1767N, K1785N, K1666N, K1725N.
Identifiers: ClinVar variation 642818 (VCV000642818.11), dbSNP rs768922376, ClinGen allele CA16033319.